The following is an entry in ClinVar:

ClinVar aggregate classification (germline): Uncertain significance. Review status: criteria provided, multiple submitters, no conflicts (2 of 4 stars). 2 submissions from 2 submitters: Uncertain significance (2). Last evaluated 2022-08-09.

Conditions:
Muscular dystrophy-dystroglycanopathy (congenital with brain and eye anomalies), type A, 7. Also called: WALKER-WARBURG SYNDROME OR MUSCLE-EYE-BRAIN DISEASE, ISPD-RELATED; Congenital muscular dystrophy-dystroglycanopathy with brain and eye anomalies, type A7. Identifiers: Orphanet 899, MedGen C3553330, MONDO:0013835, OMIM 614643.
Autosomal recessive limb-girdle muscular dystrophy type 2U. Also called: Muscular dystrophy-dystroglycanopathy (limb-girdle), type c, 7; MUSCULAR DYSTROPHY, LIMB-GIRDLE, TYPE 2U. Identifiers: Orphanet 352479, MedGen C5190987, MONDO:0014474, OMIM 616052.

Allele frequency attached by ClinVar (database versions not stated): gnomAD 0.00001.
gnomAD v4.1: 1 of 1,580,954 alleles (0.000063%); highest among the groups gnomAD compares: Non-Finnish European, 0.000086%; no homozygotes.

Submissions (2):

Labcorp Genetics (formerly Invitae), Labcorp
Classification: Uncertain significance for Muscular dystrophy-dystroglycanopathy (congenital with brain and eye anomalies), type A, 7; Autosomal recessive limb-girdle muscular dystrophy type 2U. Last evaluated: 2022-08-09. Review status: criteria provided, single submitter. Criteria: Invitae Variant Classification Sherloc (09022015). Collection method: clinical testing. Allele origin: germline.
Comment: This sequence change replaces histidine, which is basic and polar, with proline, which is neutral and non-polar, at codon 297 of the ISPD protein (p.His297Pro). This variant is not present in population databases (gnomAD no frequency). This variant has not been reported in the literature in individuals affected with ISPD-related conditions. ClinVar contains an entry for this variant (Variation ID: 595343). Algorithms developed to predict the effect of missense changes on protein structure and function (SIFT, PolyPhen-2, Align-GVGD) all suggest that this variant is likely to be tolerated. In summary, the available evidence is currently insufficient to determine the role of this variant in disease. Therefore, it has been classified as a Variant of Uncertain Significance.

Eurofins Ntd Llc (ga)
Classification: Uncertain significance. Last evaluated: 2017-12-11. Review status: criteria provided, single submitter. Criteria: EGL Classification Definitions 2015. Collection method: clinical testing. Allele origin: germline. Observed: 1 variant allele, 1 heterozygote.

NM_001101426.4(CRPPA):c.890A>C (p.His297Pro)

Gene: CRPPA (CDP-L-ribitol pyrophosphorylase A; minus strand). Cytogenetic location: 7p21.2.
Variant type: single nucleotide variant.
Coding change: c.890A>C on transcript NM_001101426.4 (MANE Select); coding-DNA position 890, A replaced by C.
Protein change: p.His297Pro; replaces histidine 297 with proline.
Molecular consequence: missense variant. On other transcripts: non-coding transcript variant (1).
Genome position (GRCh38, 1-based): chr7:16,278,172, T>G on the plus strand (A>C on the coding strand, the complement: CRPPA is on the minus strand). VCF-style: chr7-16278172-T-G. GRCh37 (hg19) VCF-style: chr7-16317797-T-G.
Other names: c.740A>C, p.His247Pro (NM_001101417.4); c.785A>C, p.His262Pro (NM_001368197.1); short protein forms H297P, H247P, H262P.
Identifiers: ClinVar variation 595343 (VCV000595343.9), dbSNP rs1562603563, ClinGen allele CA367001300.
Genomic context (GRCh38, chr7:16,278,172, plus strand): 5'-AGTCTTTGAATACTTACATTTAATTCACTTTTCAGCACTTCTTCAAGAAGATGACCTACA[T>G]GTTTGTTATCTTCTTCTGTATCCATAACTACACAAATCTCTTGGGAAATTCTCTCTGAAA-3'
Protein context (NP_001094896.1, residues 287-307): VVMDTEEDNK[His297Pro]VGHLLEEVLK